The following is an entry in ClinVar:

NM_005901.6(SMAD2):c.759T>C (p.Thr253=)

Gene: SMAD2 (SMAD family member 2; minus strand). Cytogenetic location: 18q21.1.
Variant type: single nucleotide variant.
Coding change: c.759T>C on transcript NM_005901.6 (MANE Select); coding-DNA position 759, T replaced by C.
Protein change: p.Thr253=; no amino-acid change (threonine 253 retained).
Molecular consequence: synonymous variant.
Genome position (GRCh38, 1-based): chr18:47,851,299, A>G on the plus strand (T>C on the coding strand, the complement: SMAD2 is on the minus strand). VCF-style: chr18-47851299-A-G. GRCh37 (hg19) VCF-style: chr18-45377670-A-G.
Other names: c.759T>C (NM_005901.5); c.759T>C, p.Thr253= (NM_001003652.4); c.669T>C, p.Thr223= (NM_001135937.3).
Identifiers: ClinVar variation 1759710 (VCV001759710.3), dbSNP rs2511326333, ClinGen allele CA503925137.

ClinVar aggregate classification (germline): Likely benign. Review status: criteria provided, multiple submitters, no conflicts (2 of 4 stars). 2 submissions from 2 submitters: Likely benign (2). Last evaluated 2024-11-22.

Conditions:
Inborn genetic diseases. Identifiers: MedGen C0950123, MeSH D030342.
SMAD2-related disorder. Also called: SMAD2-related condition; SMAD2-related disorders.

gnomAD v4.1: 1 of 1,610,172 alleles (0.000062%); highest among the groups gnomAD compares: African/African-American, 0.0013%; no homozygotes.

Submissions (2):

PreventionGenetics, part of Exact Sciences
Classification: Likely benign for SMAD2-related condition. Last evaluated: 2024-11-22. Review status: criteria provided, single submitter. Criteria: ACMG Guidelines, 2015. Collection method: clinical testing. Allele origin: germline.
Comment: This variant is classified as likely benign based on ACMG/AMP sequence variant interpretation guidelines (Richards et al. 2015 PMID: 25741868, with internal and published modifications).

Ambry Genetics
Classification: Likely benign for Inborn genetic diseases. Last evaluated: 2020-07-30. Review status: criteria provided, single submitter. Criteria: Ambry Variant Classification Scheme 2023. Collection method: clinical testing. Allele origin: germline.